The following is an entry in ClinVar:

ClinVar aggregate classification (germline): Uncertain significance (1 of 4 stars; one submission).

Conditions:
Inborn genetic diseases. Identifiers: MedGen C0950123, MeSH D030342.

Allele frequency attached by ClinVar (database versions not stated): gnomAD exomes 0.00001.
gnomAD v4.1: 8 of 1,613,616 alleles (0.0005%); highest among the groups gnomAD compares: Non-Finnish European, 0.00025%; no homozygotes.

Submission:

Ambry Genetics
Classification: Uncertain significance for Inborn genetic diseases. Last evaluated: 2023-10-31. Review status: criteria provided, single submitter. Criteria: Ambry Variant Classification Scheme 2023. Collection method: clinical testing. Allele origin: germline.
Comment: The p.H612Y variant (also known as c.1834C>T), located in coding exon 20 of the ERCC2 gene, results from a C to T substitution at nucleotide position 1834. The histidine at codon 612 is replaced by tyrosine, an amino acid with similar properties. This amino acid position is conserved. In addition, the in silico prediction for this alteration is inconclusive. Since supporting evidence is limited at this time, the clinical significance of this alteration remains unclear.

NM_000400.4(ERCC2):c.1834C>T (p.His612Tyr)

Gene: ERCC2 (ERCC excision repair 2, TFIIH core complex helicase subunit; minus strand). Cytogenetic location: 19q13.32.
Variant type: single nucleotide variant.
Coding change: c.1834C>T on transcript NM_000400.4 (MANE Select); coding-DNA position 1834, C replaced by T.
Protein change: p.His612Tyr; replaces histidine 612 with tyrosine.
Molecular consequence: missense variant.
Genome position (GRCh38, 1-based): chr19:45,352,814, G>A on the plus strand (C>T on the coding strand, the complement: ERCC2 is on the minus strand). VCF-style: chr19-45352814-G-A. GRCh37 (hg19) VCF-style: chr19-45856072-G-A.
Other names: short protein forms H612Y.
Identifiers: ClinVar variation 3231662 (VCV003231662.1), dbSNP rs1304212330, ClinGen allele CA406363958.